The following is an entry in ClinVar:

NM_000093.5(COL5A1):c.727G>A (p.Asp243Asn)

Gene: COL5A1 (collagen type V alpha 1 chain; plus strand). Cytogenetic location: 9q34.3.
Variant type: single nucleotide variant.
Coding change: c.727G>A on transcript NM_000093.5 (MANE Select); coding-DNA position 727, G replaced by A.
Protein change: p.Asp243Asn; replaces aspartic acid 243 with asparagine.
Molecular consequence: missense variant.
Genome position (GRCh38, 1-based): chr9:134,727,338, G>A. VCF-style: chr9-134727338-G-A. GRCh37 (hg19) VCF-style: chr9-137619184-G-A.
Other names: p.D243N:GAC>AAC; c.727G>A, p.Asp243Asn (NM_001278074.1); short protein forms D243N.
Identifiers: ClinVar variation 213016 (VCV000213016.17), dbSNP rs758431206, ClinGen allele CA322539.

ClinVar aggregate classification (germline): Conflicting classifications of pathogenicity. Review status: criteria provided, conflicting classifications (1 of 4 stars). 4 submissions from 4 submitters: Uncertain significance (3); Likely benign (1). Last evaluated 2026-09-11.

Conditions:
Ehlers-Danlos syndrome, classic type, 1 (EDSCL1). Also called: EDS I; Ehlers-Danlos Syndrome, Classic Type, COL5A1-Related; EHLERS-DANLOS SYNDROME, GRAVIS TYPE; EHLERS-DANLOS SYNDROME, SEVERE CLASSIC TYPE; Ehlers-Danlos syndrome, type 1. Identifiers: MedGen C0268335, MONDO:0019567, OMIM 130000.
Familial thoracic aortic aneurysm and aortic dissection (TAAD). Also called: Thoracic aortic aneurysms and dissections. Identifiers: Orphanet 91387, MedGen C4707243, MONDO:0019625.

Allele frequency attached by ClinVar (database versions not stated): TOPMed below 0.00001; ExAC 0.00001; gnomAD exomes 0.00001.
gnomAD v4.1: 48 of 1,614,096 alleles (0.003%); highest among the groups gnomAD compares: Non-Finnish European, 0.0041%; no homozygotes.

Submissions (4):

Ambry Genetics
Classification: Uncertain significance for Familial thoracic aortic aneurysm and aortic dissection. Last evaluated: 2026-09-11. Review status: criteria provided, single submitter. Criteria: Ambry Variant Classification Scheme 2023. Collection method: clinical testing. Allele origin: germline.
Comment: The c.727G>A (p.D243N) alteration is located in exon 5 (coding exon 5) of the COL5A1 gene. This alteration results from a G to A substitution at nucleotide position 727, causing the aspartic acid (D) at amino acid position 243 to be replaced by an asparagine (N). Based on data from gnomAD, the A allele has an overall frequency of 0.001% (3/251488) total alleles studied. The highest observed frequency was 0.003% (3/113768) of European (non-Finnish) alleles. Based on insufficient or conflicting evidence, the clinical significance of this alteration remains unclear.

Labcorp Genetics (formerly Invitae), Labcorp
Classification: Likely benign for Ehlers-Danlos syndrome, classic type, 1. Last evaluated: 2025-10-09. Review status: criteria provided, single submitter. Criteria: Invitae Variant Classification Sherloc (09022015). Collection method: clinical testing. Allele origin: germline.

GeneDx
Classification: Uncertain significance. Last evaluated: 2024-12-05. Review status: criteria provided, single submitter. Criteria: GeneDx Variant Classification Process June 2021. Collection method: clinical testing. Allele origin: germline. Affected: yes.
Comment: Has not been previously published as pathogenic or benign to our knowledge; Not observed at significant frequency in large population cohorts (gnomAD); In silico analysis supports that this missense variant has a deleterious effect on protein structure/function; Not located in the triple helical region, where the majority of pathogenic missense variants occur (PMID: 22696272; HGMD); This variant is associated with the following publications: (PMID: 22696272)

Blueprint Genetics
Classification: Uncertain significance. Last evaluated: 2017-11-15. Review status: criteria provided, single submitter. Criteria: ACMG Guidelines, 2015. Collection method: clinical testing. Allele origin: germline.